The following is an entry in ClinVar:

ClinVar aggregate classification (germline): Uncertain significance (1 of 4 stars; one submission).

Conditions:
Intellectual developmental disorder, X-linked 1. Also called: Atkin Flaitz Patil Smith syndrome; MENTAL RETARDATION, X-LINKED 18; MENTAL RETARDATION, X-LINKED 78; Intellectual disability, X-linked 1. Identifiers: Orphanet 777, MedGen C2931498, MONDO:0010656, OMIM 309530.

Submission:

Labcorp Genetics (formerly Invitae), Labcorp
Classification: Uncertain significance for Intellectual developmental disorder, X-linked 1. Last evaluated: 2024-08-02. Review status: criteria provided, single submitter. Criteria: Invitae Variant Classification Sherloc (09022015). Collection method: clinical testing. Allele origin: germline.
Comment: This sequence change replaces phenylalanine, which is neutral and non-polar, with leucine, which is neutral and non-polar, at codon 392 of the IQSEC2 protein (p.Phe392Leu). This variant is not present in population databases (gnomAD no frequency). This variant has not been reported in the literature in individuals affected with IQSEC2-related conditions. Advanced modeling of protein sequence and biophysical properties (such as structural, functional, and spatial information, amino acid conservation, physicochemical variation, residue mobility, and thermodynamic stability) performed at Invitae indicates that this missense variant is not expected to disrupt IQSEC2 protein function with a negative predictive value of 95%. In summary, the available evidence is currently insufficient to determine the role of this variant in disease. Therefore, it has been classified as a Variant of Uncertain Significance.

NM_001111125.3(IQSEC2):c.1176C>G (p.Phe392Leu)

Gene: IQSEC2 (IQ motif and Sec7 domain ArfGEF 2; minus strand). Cytogenetic location: Xp11.22.
Variant type: single nucleotide variant.
Coding change: c.1176C>G on transcript NM_001111125.3 (MANE Select); coding-DNA position 1176, C replaced by G.
Protein change: p.Phe392Leu; replaces phenylalanine 392 with leucine.
Molecular consequence: missense variant.
Genome position (GRCh38, 1-based): chrX:53,254,755, G>C on the plus strand (C>G on the coding strand, the complement: IQSEC2 is on the minus strand). VCF-style: chrX-53254755-G-C. GRCh37 (hg19) VCF-style: chrX-53283937-G-C.
Other names: c.1176C>G, p.Phe392Leu (NM_001410736.1); c.561C>G, p.Phe187Leu (NM_015075.2); short protein forms F392L, F187L.
Identifiers: ClinVar variation 3634907 (VCV003634907.2).